The following is an entry in ClinVar:

ClinVar aggregate classification (germline): Pathogenic/Likely pathogenic. Review status: criteria provided, multiple submitters, no conflicts (2 of 4 stars). 2 submissions from 2 submitters: Pathogenic (1); Likely pathogenic (1). Last evaluated 2025-03-19.

Conditions:
BAP1-related disorder. Also called: BAP1-related condition.
Hereditary cancer-predisposing syndrome. Also called: Hereditary Cancer Syndrome; Hereditary neoplastic syndrome; Neoplastic Syndromes, Hereditary; Tumor predisposition. Identifiers: Orphanet 140162, MedGen C0027672, MeSH D009386, MONDO:0015356.

Submissions (2):

Ambry Genetics
Classification: Pathogenic for Hereditary cancer-predisposing syndrome. Last evaluated: 2025-03-19. Review status: criteria provided, single submitter. Criteria: Ambry Variant Classification Scheme 2023. Collection method: clinical testing. Allele origin: germline.
Comment: The p.M1? pathogenic mutation (also known as c.1A>G) is located in coding exon 1 of the BAP1 gene and results from a A to G substitution at nucleotide position 1. This alters the methionine residue at the initiation codon (ATG). Start-loss alterations have been observed in individuals with BAP1-associated disease (Ambry internal data; Ewens, KG et al. BMC Cancer 2018 Nov;18(1):1172). This alteration was non-functional in a high throughput genome editing haploid cell survival assay (Waters, AJ et al. Nat Genet 2024 Jul;56(7):1434-1445). This amino acid position is highly conserved in available vertebrate species. This variant is considered to be rare based on population cohorts in the Genome Aggregation Database (gnomAD). In addition to the clinical data presented in the literature, sequence variations that modify the initiation codon are expected to result in either loss of translation initiation, N-terminal truncation, or cause a shift in the mRNA reading frame. Based on the supporting evidence, this variant is interpreted as a disease-causing mutation.

Blueprint Genetics
Classification: Likely pathogenic for BAP1-related disorders. Last evaluated: 2023-04-18. Review status: criteria provided, single submitter. Criteria: ACMG Guidelines, 2015. Collection method: clinical testing. Allele origin: germline. Affected: yes. Observed: 1 variant allele.

Literature cited by the submitters: PubMed 38969833 (cited by Ambry Genetics).

NM_004656.4(BAP1):c.2T>G (p.Met1Arg)

Gene: BAP1 (BRCA1 associated deubiquitinase 1; minus strand). Cytogenetic location: 3p21.1.
Variant type: single nucleotide variant.
Coding change: c.2T>G on transcript NM_004656.4 (MANE Select); coding-DNA position 2, T replaced by G.
Protein change: p.Met1Arg; changes the start codon (methionine 1).
Molecular consequence: missense variant, initiator codon variant.
Genome position (GRCh38, 1-based): chr3:52,409,877, A>C on the plus strand (T>G on the coding strand, the complement: BAP1 is on the minus strand). VCF-style: chr3-52409877-A-C. GRCh37 (hg19) VCF-style: chr3-52443893-A-C.
Other names: c.2T>G, p.Met1Arg (NM_001410772.1); short protein forms M1R.
Identifiers: ClinVar variation 3986692 (VCV003986692.2).